The following is an entry in ClinVar:

NM_001173464.2(KIF21A):c.1240G>C (p.Gly414Arg)

Gene: KIF21A (kinesin family member 21A; minus strand). Cytogenetic location: 12q12.
Variant type: single nucleotide variant.
Coding change: c.1240G>C on transcript NM_001173464.2 (MANE Select); coding-DNA position 1240, G replaced by C.
Protein change: p.Gly414Arg; replaces glycine 414 with arginine.
Molecular consequence: missense variant.
Genome position (GRCh38, 1-based): chr12:39,357,413, C>G on the plus strand (G>C on the coding strand, the complement: KIF21A is on the minus strand). VCF-style: chr12-39357413-C-G. GRCh37 (hg19) VCF-style: chr12-39751215-C-G.
Other names: c.1240G>C (NM_001173464.1); c.1240G>C, p.Gly414Arg (NM_001173463.2, NM_001173465.2, NM_017641.4); short protein forms G414R.
Identifiers: ClinVar variation 308584 (VCV000308584.35), dbSNP rs78616703, ClinGen allele CA6511073.

ClinVar aggregate classification (germline): Benign/Likely benign. Review status: criteria provided, multiple submitters, no conflicts (2 of 4 stars). 6 submissions from 6 submitters: Benign (1); Likely benign (4). 1 of the submissions does not count toward it. Last evaluated 2026-09-01.

Conditions:
Congenital fibrosis of extraocular muscles type 1. Also called: FEOM1 LOCUS; BLEPHAROPTOSIS WITH ABSENT EYE MOVEMENTS; OPHTHALMOPLEGIA, CONGENITAL; CFEOM3B. Identifiers: MedGen C1851102, MONDO:0021083, OMIM 135700.
KIF21A-related disorder. Also called: KIF21A-related condition.

Allele frequency attached by ClinVar (database versions not stated): 1000 Genomes Project 30x 0.00078; 1000 Genomes Project 0.00100; ExAC 0.00171; gnomAD exomes 0.00179; TOPMed 0.00224; gnomAD 0.00229; ESP Exome Variant Server 0.00300.
gnomAD v4.1: 5,412 of 1,613,864 alleles (0.34%); highest among the groups gnomAD compares: Non-Finnish European, 0.44%; 18 homozygotes.

Submissions (6):

CeGaT Center for Human Genetics Tuebingen
Classification: Likely benign. Last evaluated: 2026-09-01. Review status: criteria provided, single submitter. Criteria: CeGaT Center For Human Genetics Tuebingen Variant Classification Criteria Version 2. Collection method: clinical testing. Allele origin: germline. Affected: yes. Observed: 5 variant alleles.
Comment: KIF21A: PP3, BS2

Blueprint Genetics
Classification: Likely benign. Last evaluated: 2024-11-25. Review status: criteria provided, single submitter. Criteria: ACMG Guidelines, 2015. Collection method: clinical testing. Allele origin: germline.

Labcorp Genetics (formerly Invitae), Labcorp
Classification: Likely benign. Last evaluated: 2019-12-31. Review status: criteria provided, single submitter. Criteria: Invitae Variant Classification Sherloc (09022015). Collection method: clinical testing. Allele origin: germline.

Illumina Laboratory Services, Illumina
Classification: Benign for Congenital fibrosis of extraocular muscles type 1. Last evaluated: 2018-01-13. Review status: criteria provided, single submitter. Criteria: ICSL Variant Classification Criteria 13 December 2019. Collection method: clinical testing. Allele origin: germline.
Comment: This variant was observed in the ICSL laboratory as part of a predisposition screen in an ostensibly healthy population. It had not been previously curated by ICSL or reported in the Human Gene Mutation Database (HGMD: prior to June 1st, 2018), and was therefore a candidate for classification through an automated scoring system. Utilizing variant allele frequency, disease prevalence and penetrance estimates, and inheritance mode, an automated score was calculated to assess if this variant is too frequent to cause the disease. Based on the score and internal cut-off values, a variant classified as benign is not then subjected to further curation. The score for this variant resulted in a classification of benign for this disease.

Breakthrough Genomics
Classification: Likely benign. Review status: criteria provided, single submitter. Criteria: ACMG Guidelines, 2015. Collection method: not provided. Allele origin: germline. Inheritance: Autosomal dominant inheritance. Affected: yes.

PreventionGenetics, part of Exact Sciences
Classification: Likely benign for KIF21A-related condition. Last evaluated: 2019-06-26. Review status: no assertion criteria provided. Collection method: clinical testing. Allele origin: germline. Not counted in ClinVar's aggregate classification.
Comment: This variant is classified as likely benign based on ACMG/AMP sequence variant interpretation guidelines (Richards et al. 2015 PMID: 25741868, with internal and published modifications).